The following is an entry in ClinVar:

ClinVar aggregate classification (germline): Uncertain significance. Review status: criteria provided, multiple submitters, no conflicts (2 of 4 stars). 5 submissions from 4 submitters: Uncertain significance (5). Last evaluated 2024-01-18.

Conditions:
Meckel-Gruber syndrome. Also called: Dysencephalia splachnocystica; DYSENCEPHALIA SPLANCHNOCYSTICA; GRUBER SYNDROME. Identifiers: Orphanet 564, MedGen C0265215, MONDO:0018921.
Joubert syndrome. Also called: Familial aplasia of the vermis; JOUBERT-BOLTSHAUSER SYNDROME. Identifiers: Orphanet 475, MedGen C5979921, MONDO:0018772.
Meckel syndrome, type 6. Identifiers: Orphanet 564, MedGen C2676790, MONDO:0012848, OMIM 612284.
Joubert syndrome 9 (JBTS9). Identifiers: Orphanet 2318, MedGen C2676788, MONDO:0012849, OMIM 612285.
Retinitis pigmentosa 93. Identifiers: MedGen C5676970, MONDO:0030797, OMIM 619845.
COACH syndrome 2. Identifiers: MedGen C5436837, MONDO:0030859, OMIM 619111.
Inborn genetic diseases. Identifiers: MedGen C0950123, MeSH D030342.

Allele frequency attached by ClinVar (database versions not stated): gnomAD 0.00001; gnomAD exomes 0.00001 and 0.00002; ExAC 0.00002; TOPMed 0.00003; 1000 Genomes Project 30x 0.00016; 1000 Genomes Project 0.00020.
gnomAD v4.1: 9 of 1,611,024 alleles (0.00056%); highest among the groups gnomAD compares: East Asian, 0.018%; no homozygotes.

Submissions (5):

Fulgent Genetics
Classification: Uncertain significance for Meckel syndrome, type 6; Joubert syndrome 9; COACH syndrome 2; Retinitis pigmentosa 93. Last evaluated: 2024-01-18. Review status: criteria provided, single submitter. Criteria: ACMG Guidelines, 2015. Collection method: clinical testing. Allele origin: germline.

Labcorp Genetics (formerly Invitae), Labcorp
Classification: Uncertain significance for Joubert syndrome; Meckel-Gruber syndrome. Last evaluated: 2023-08-10. Review status: criteria provided, single submitter. Criteria: Invitae Variant Classification Sherloc (09022015). Collection method: clinical testing. Allele origin: germline.
Comment: In summary, the available evidence is currently insufficient to determine the role of this variant in disease. Therefore, it has been classified as a Variant of Uncertain Significance. Algorithms developed to predict the effect of sequence changes on RNA splicing suggest that this variant may create or strengthen a splice site. Advanced modeling of protein sequence and biophysical properties (such as structural, functional, and spatial information, amino acid conservation, physicochemical variation, residue mobility, and thermodynamic stability) has been performed at Invitae for this missense variant, however the output from this modeling did not meet the statistical confidence thresholds required to predict the impact of this variant on CC2D2A protein function. ClinVar contains an entry for this variant (Variation ID: 899525). This variant has not been reported in the literature in individuals affected with CC2D2A-related conditions. This variant is present in population databases (rs541135799, gnomAD 0.04%). This sequence change replaces glycine, which is neutral and non-polar, with aspartic acid, which is acidic and polar, at codon 880 of the CC2D2A protein (p.Gly880Asp).

Ambry Genetics
Classification: Uncertain significance for Inborn genetic diseases. Last evaluated: 2023-02-28. Review status: criteria provided, single submitter. Criteria: Ambry Variant Classification Scheme 2023. Collection method: clinical testing. Allele origin: germline.

Illumina Laboratory Services, Illumina
Classification: Uncertain significance for Meckel syndrome, type 6. Last evaluated: 2018-01-13. Review status: criteria provided, single submitter. Criteria: ICSL Variant Classification Criteria 13 December 2019. Collection method: clinical testing. Allele origin: germline.

Illumina Laboratory Services, Illumina
Classification: Uncertain significance for Joubert syndrome 9. Last evaluated: 2018-01-13. Review status: criteria provided, single submitter. Criteria: ICSL Variant Classification Criteria 13 December 2019. Collection method: clinical testing. Allele origin: germline.

NM_001378615.1(CC2D2A):c.2639G>A (p.Gly880Asp)

Genes: CC2D2A (coiled-coil and C2 domain containing 2A; plus strand), FBXL5 (F-box and leucine rich repeat protein 5; minus strand). Cytogenetic location: 4p15.32.
Variant type: single nucleotide variant.
Coding change: c.2639G>A on transcript NM_001378615.1 (MANE Select); coding-DNA position 2639, G replaced by A.
Protein change: p.Gly880Asp; replaces glycine 880 with aspartic acid.
Molecular consequence: missense variant.
Genome position (GRCh38, 1-based): chr4:15,557,317, G>A. VCF-style: chr4-15557317-G-A. GRCh37 (hg19) VCF-style: chr4-15558940-G-A.
Other names: c.2639G>A, p.Gly880Asp (NM_001080522.2); c.2492G>A, p.Gly831Asp (NM_001378617.1); short protein forms G880D, G831D.
Identifiers: ClinVar variation 899525 (VCV000899525.14), dbSNP rs541135799, ClinGen allele CA2863986.